The following is an entry in ClinVar:

NM_022916.6(VPS33A):c.1514G>A (p.Arg505Gln)

Gene: VPS33A (VPS33A core subunit of CORVET and HOPS complexes; minus strand). Cytogenetic location: 12q24.31.
Variant type: single nucleotide variant.
Coding change: c.1514G>A on transcript NM_022916.6 (MANE Select); coding-DNA position 1514, G replaced by A.
Protein change: p.Arg505Gln; replaces arginine 505 with glutamine.
Molecular consequence: missense variant.
Genome position (GRCh38, 1-based): chr12:122,232,895, C>T on the plus strand (G>A on the coding strand, the complement: VPS33A is on the minus strand). VCF-style: chr12-122232895-C-T. GRCh37 (hg19) VCF-style: chr12-122717442-C-T.
Other names: c.1481G>A, p.Arg494Gln (NM_001351018.2); c.1466G>A, p.Arg489Gln (NM_001351019.2); c.1193G>A, p.Arg398Gln (NM_001351020.2); short protein forms R505Q, R398Q, R494Q, R489Q.
Identifiers: ClinVar variation 1499971 (VCV001499971.5), dbSNP rs768777668, ClinGen allele CA6844288.

ClinVar aggregate classification (germline): Uncertain significance (1 of 4 stars; one submission).

Allele frequency attached by ClinVar (database versions not stated): gnomAD exomes below 0.00001 and 0.00001; ExAC 0.00001; TOPMed 0.00003.

Submission:

Labcorp Genetics (formerly Invitae), Labcorp
Classification: Uncertain significance. Last evaluated: 2023-06-19. Review status: criteria provided, single submitter. Criteria: Invitae Variant Classification Sherloc (09022015). Collection method: clinical testing. Allele origin: germline.
Comment: The frequency data for this variant in the population databases is considered unreliable, as metrics indicate poor data quality at this position in the gnomAD database. This variant has not been reported in the literature in individuals affected with VPS33A-related conditions. ClinVar contains an entry for this variant (Variation ID: 1499971). Advanced modeling of protein sequence and biophysical properties (such as structural, functional, and spatial information, amino acid conservation, physicochemical variation, residue mobility, and thermodynamic stability) performed at Invitae indicates that this missense variant is not expected to disrupt VPS33A protein function. In summary, the available evidence is currently insufficient to determine the role of this variant in disease. Therefore, it has been classified as a Variant of Uncertain Significance. This sequence change replaces arginine, which is basic and polar, with glutamine, which is neutral and polar, at codon 505 of the VPS33A protein (p.Arg505Gln).